The following is an entry in ClinVar:

ClinVar aggregate classification (germline): Conflicting classifications of pathogenicity. Review status: criteria provided, conflicting classifications (1 of 4 stars). 2 submissions from 2 submitters: Uncertain significance (1); Likely benign (1). Last evaluated 2025-02-28.

Conditions:
Inborn genetic diseases. Identifiers: MedGen C0950123, MeSH D030342.

gnomAD v4.1: 40 of 1,613,970 alleles (0.0025%); highest among the groups gnomAD compares: African/African-American, 0.045%; no homozygotes.

Submissions (2):

Ambry Genetics
Classification: Likely benign for Inborn genetic diseases. Last evaluated: 2025-02-28. Review status: criteria provided, single submitter. Criteria: Ambry Variant Classification Scheme 2023. Collection method: clinical testing. Allele origin: germline.

Labcorp Genetics (formerly Invitae), Labcorp
Classification: Uncertain significance. Last evaluated: 2024-03-19. Review status: criteria provided, single submitter. Criteria: Invitae Variant Classification Sherloc (09022015). Collection method: clinical testing. Allele origin: germline.
Comment: This sequence change replaces threonine, which is neutral and polar, with methionine, which is neutral and non-polar, at codon 134 of the CNOT3 protein (p.Thr134Met). This variant is present in population databases (rs138688054, gnomAD 0.05%), and has an allele count higher than expected for a pathogenic variant. This variant has not been reported in the literature in individuals affected with CNOT3-related conditions. An algorithm developed to predict the effect of missense changes on protein structure and function (PolyPhen-2) suggests that this variant is likely to be disruptive. In summary, the available evidence is currently insufficient to determine the role of this variant in disease. Therefore, it has been classified as a Variant of Uncertain Significance.

NM_014516.4(CNOT3):c.401C>T (p.Thr134Met)

Gene: CNOT3 (CCR4-NOT transcription complex subunit 3; plus strand). Cytogenetic location: 19q13.42.
Variant type: single nucleotide variant.
Coding change: c.401C>T on transcript NM_014516.4 (MANE Select); coding-DNA position 401, C replaced by T.
Protein change: p.Thr134Met; replaces threonine 134 with methionine.
Molecular consequence: missense variant.
Genome position (GRCh38, 1-based): chr19:54,144,250, C>T. VCF-style: chr19-54144250-C-T. GRCh37 (hg19) VCF-style: chr19-54647986-C-T.
Other names: c.401C>T (NM_014516.3); short protein forms T134M.
Identifiers: ClinVar variation 3697893 (VCV003697893.2).